The following is an entry in ClinVar:

ClinVar aggregate classification (germline): Uncertain significance (1 of 4 stars; one submission).

gnomAD v4.1: 1 of 1,614,066 alleles (0.000062%); highest among the groups gnomAD compares: South Asian, 0.0011%; no homozygotes.

Submission:

Labcorp Genetics (formerly Invitae), Labcorp
Classification: Uncertain significance. Last evaluated: 2025-03-23. Review status: criteria provided, single submitter. Criteria: Invitae Variant Classification Sherloc (09022015). Collection method: clinical testing. Allele origin: germline.
Comment: This sequence change replaces threonine, which is neutral and polar, with proline, which is neutral and non-polar, at codon 1074 of the VCAN protein (p.Thr1074Pro). This variant is not present in population databases (gnomAD no frequency). This variant has not been reported in the literature in individuals affected with VCAN-related conditions. An algorithm developed to predict the effect of missense changes on protein structure and function outputs the following: PolyPhen-2: "Benign". The proline amino acid residue is found in multiple mammalian species, which suggests that this missense change does not adversely affect protein function. In summary, the available evidence is currently insufficient to determine the role of this variant in disease. Therefore, it has been classified as a Variant of Uncertain Significance.

NM_004385.5(VCAN):c.3220A>C (p.Thr1074Pro)

Gene: VCAN (versican; plus strand). Cytogenetic location: 5q14.3.
Variant type: single nucleotide variant.
Coding change: c.3220A>C on transcript NM_004385.5 (MANE Select); coding-DNA position 3220, A replaced by C.
Protein change: p.Thr1074Pro; replaces threonine 1074 with proline.
Molecular consequence: missense variant. On other transcripts: intron variant (2).
Genome position (GRCh38, 1-based): chr5:83,521,526, A>C. VCF-style: chr5-83521526-A-C. GRCh37 (hg19) VCF-style: chr5-82817345-A-C.
Other names: c.3220A>C, p.Thr1074Pro (NM_001164098.2); c.1042+9130A>C (NM_001164097.2, NM_001126336.3); short protein forms T1074P.
Identifiers: ClinVar variation 4781345 (VCV004781345.1).